The following is an entry in ClinVar:

NM_003126.4(SPTA1):c.4186G>T (p.Glu1396Ter)

Gene: SPTA1 (spectrin alpha, erythrocytic 1; minus strand). Cytogenetic location: 1q23.1.
Variant type: single nucleotide variant.
Coding change: c.4186G>T on transcript NM_003126.4 (MANE Select); coding-DNA position 4186, G replaced by T.
Protein change: p.Glu1396Ter; replaces glutamic acid 1396 with a stop codon.
Molecular consequence: nonsense.
Genome position (GRCh38, 1-based): chr1:158,645,196, C>A on the plus strand (G>T on the coding strand, the complement: SPTA1 is on the minus strand). VCF-style: chr1-158645196-C-A. GRCh37 (hg19) VCF-style: chr1-158614986-C-A.
Other names: short protein forms E1396*.
Identifiers: ClinVar variation 5041428 (VCV005041428.1).

ClinVar aggregate classification (germline): Pathogenic (1 of 4 stars; one submission).

Submission:

CeGaT Center for Human Genetics Tuebingen
Classification: Pathogenic. Last evaluated: 2026-09-01. Review status: criteria provided, single submitter. Criteria: CeGaT Center For Human Genetics Tuebingen Variant Classification Criteria Version 2. Collection method: clinical testing. Allele origin: germline. Affected: yes. Observed: 1 variant allele.
Comment: SPTA1: PVS1, PM2